The following is an entry in ClinVar:

ClinVar aggregate classification (germline): Pathogenic (1 of 4 stars; one submission).

Conditions:
Autosomal recessive polycystic kidney disease (ARPKD). Also called: AR polycystic kidney disease. Identifiers: Orphanet 731, Orphanet 8378, MedGen C0085548, MeSH D017044, MONDO:0009889.

Submission:

Labcorp Genetics (formerly Invitae), Labcorp
Classification: Pathogenic for Autosomal recessive polycystic kidney disease. Last evaluated: 2022-08-22. Review status: criteria provided, single submitter. Criteria: Invitae Variant Classification Sherloc (09022015). Collection method: clinical testing. Allele origin: germline.
Comment: A gross deletion of the genomic region encompassing the full coding sequence of the PKHD1 gene has been identified. Loss-of-function variants in PKHD1 are known to be pathogenic (PMID: 19940839). The boundaries of this event are unknown as they extend beyond the assayed region for this gene and therefore may encompass additional genes. This variant has not been reported in the literature in individuals affected with PKHD1-related conditions. For these reasons, this variant has been classified as Pathogenic.

Literature cited by the submitters: PubMed 19940839.

NC_000006.11:g.(?_51483879)_(51949731_?)del

Gene: PKHD1 (PKHD1 ciliary IPT domain containing fibrocystin/polyductin; minus strand). Cytogenetic location: 6p12.3-12.2.
Variant type: Deletion.
Identifiers: ClinVar variation 2427263 (VCV002427263.4).